The following is an entry in ClinVar:

NM_007194.4(CHEK2):c.1229_1259+2dup

Gene: CHEK2 (checkpoint kinase 2; minus strand). Cytogenetic location: 22q12.1.
Variant type: Duplication.
Coding change: c.1229_1259+2dup on transcript NM_007194.4 (MANE Select); coding-DNA position 1229 through the canonical splice donor site of the intron after coding-DNA position 1259, 33 bases duplicated.
Molecular consequence: splice donor variant.
Genome position (GRCh38, 1-based): chr22:28,695,708-28,695,740, 33 bases duplicated; duplicating any 33 consecutive bases within chr22:28,695,708-28,695,741 gives the same sequence; the c. name uses the placement nearest the transcript's 3' end. GRCh37 (hg19): chr22:29,091,697-29,091,729.
Other names: c.566_596+2dup (NM_001437942.1, NM_001257387.3); c.1028_1058+2dup (NM_001349956.3); c.1142_1172+2dup (NM_145862.3); c.1235_1265+2dup (NM_001438295.1); c.1322_1352+2dup (NM_001438293.1); c.1271_1301+2dup (NM_001438294.1); c.1358_1388+2dup (NM_001005735.3).
Identifiers: ClinVar variation 3661176 (VCV003661176.2).

ClinVar aggregate classification (germline): Uncertain significance (1 of 4 stars; one submission).

Conditions:
Familial cancer of breast. Also called: Hereditary breast cancer; hereditary breast carcinoma; BREAST CANCER, FAMILIAL. Identifiers: Orphanet 227535, MedGen C0346153, MONDO:0016419, OMIM 114480. Disease mechanism: loss of function.

Submission:

Labcorp Genetics (formerly Invitae), Labcorp
Classification: Uncertain significance for Familial cancer of breast. Last evaluated: 2024-08-05. Review status: criteria provided, single submitter. Criteria: Invitae Variant Classification Sherloc (09022015). Collection method: clinical testing. Allele origin: germline.
Comment: This sequence change falls in intron 11 of the CHEK2 gene. It does not directly change the encoded amino acid sequence of the CHEK2 protein. It affects a nucleotide within the consensus splice site. This variant is not present in population databases (gnomAD no frequency). This variant has not been reported in the literature in individuals affected with CHEK2-related conditions. Variants that disrupt the consensus splice site are a relatively common cause of aberrant splicing (PMID: 17576681, 9536098). In summary, the available evidence is currently insufficient to determine the role of this variant in disease. Therefore, it has been classified as a Variant of Uncertain Significance.

Literature cited by the submitters: PubMed 17576681; PubMed 9536098.